The following is an entry in ClinVar:

ClinVar aggregate classification (germline): Conflicting classifications of pathogenicity. Review status: criteria provided, conflicting classifications (1 of 4 stars). 3 submissions from 2 submitters: Uncertain significance (1); Benign (2). Last evaluated 2025-02-07.

Conditions:
Atypical hemolytic-uremic syndrome with B factor anomaly. Also called: HEMOLYTIC UREMIC SYNDROME, ATYPICAL, SUSCEPTIBILITY TO, 4; AHUS, SUSCEPTIBILITY TO, 4. Identifiers: Orphanet 2134, MedGen C2752038, MONDO:0013042, OMIM 612924.
Macular degeneration. Also called: Degenerative disorder of macula. Identifiers: MedGen C0024437, MONDO:0003004, HP:0000608.

Allele frequency attached by ClinVar (database versions not stated): TOPMed 0.00006; 1000 Genomes Project 30x 0.00016.

Submissions (3):

Labcorp Genetics (formerly Invitae), Labcorp
Classification: Benign. Last evaluated: 2025-02-07. Review status: criteria provided, single submitter. Criteria: Invitae Variant Classification Sherloc (09022015). Collection method: clinical testing. Allele origin: germline.

Illumina Laboratory Services, Illumina
Classification: Benign for Atypical hemolytic-uremic syndrome with B factor anomaly. Last evaluated: 2018-01-13. Review status: criteria provided, single submitter. Criteria: ICSL Variant Classification Criteria 13 December 2019. Collection method: clinical testing. Allele origin: germline.
Comment: This variant was observed in the ICSL laboratory as part of a predisposition screen in an ostensibly healthy population. It had not been previously curated by ICSL or reported in the Human Gene Mutation Database (HGMD: prior to June 1st, 2018), and was therefore a candidate for classification through an automated scoring system. Utilizing variant allele frequency, disease prevalence and penetrance estimates, and inheritance mode, an automated score was calculated to assess if this variant is too frequent to cause the disease. Based on the score and internal cut-off values, a variant classified as benign is not then subjected to further curation. The score for this variant resulted in a classification of benign for this disease.

Illumina Laboratory Services, Illumina
Classification: Uncertain significance for Macular degeneration. Last evaluated: 2018-01-13. Review status: criteria provided, single submitter. Criteria: ICSL Variant Classification Criteria 13 December 2019. Collection method: clinical testing. Allele origin: germline.

NM_001710.6(CFB):c.1037-10C>T

Gene: CFB (complement factor B; plus strand). Cytogenetic location: 6p21.33.
Variant type: single nucleotide variant.
Coding change: c.1037-10C>T on transcript NM_001710.6 (MANE Select); 10 bases into the intron before coding-DNA position 1037, C replaced by T.
Molecular consequence: intron variant.
Genome position (GRCh38, 1-based): chr6:31,948,820, C>T. VCF-style: chr6-31948820-C-T. GRCh37 (hg19) VCF-style: chr6-31916597-C-T.
Identifiers: ClinVar variation 356283 (VCV000356283.12), dbSNP rs201659953, ClinGen allele CA3728219.